The following is an entry in ClinVar:

NM_005360.5(MAF):c.905C>T (p.Ala302Val)

Gene: MAF (MAF bZIP transcription factor; minus strand). Cytogenetic location: 16q23.2.
Variant type: single nucleotide variant.
Coding change: c.905C>T on transcript NM_005360.5 (MANE Select); coding-DNA position 905, C replaced by T.
Protein change: p.Ala302Val; replaces alanine 302 with valine.
Molecular consequence: missense variant.
Genome position (GRCh38, 1-based): chr16:79,598,998, G>A on the plus strand (C>T on the coding strand, the complement: MAF is on the minus strand). VCF-style: chr16-79598998-G-A. GRCh37 (hg19) VCF-style: chr16-79632895-G-A.
Other names: c.905C>T, p.Ala302Val (NM_001031804.3); short protein forms A302V.
Identifiers: ClinVar variation 474940 (VCV000474940.24), dbSNP rs1481963503, ClinGen allele CA396534980.

ClinVar aggregate classification (germline): Pathogenic/Likely pathogenic. Review status: criteria provided, multiple submitters, no conflicts (2 of 4 stars). 2 submissions from 2 submitters: Pathogenic (1); Likely pathogenic (1). Last evaluated 2025-09-02.

Conditions:
Cataract 21 multiple types. Also called: Cataract, congenital, cerulean type, 4; CATARACT 21, MULTIPLE TYPES, WITH OR WITHOUT MICROCORNEA; CATARACT 21, CERULEAN, WITH OR WITHOUT MICROCORNEA; CATARACT 21, MULTIPLE TYPES, WITH MICROCORNEA. Identifiers: Orphanet 91492, MedGen C1857768, MONDO:0012437, OMIM 610202.
Ayme-Gripp syndrome. Also called: Aymé-Gripp Syndrome. Identifiers: MedGen C1832812, MONDO:0010992, OMIM 601088.

Submissions (2):

Labcorp Genetics (formerly Invitae), Labcorp
Classification: Pathogenic for Cataract 21 multiple types; Ayme-Gripp syndrome. Last evaluated: 2025-09-02. Review status: criteria provided, single submitter. Criteria: Invitae Variant Classification Sherloc (09022015). Collection method: clinical testing. Allele origin: germline.
Comment: This sequence change replaces alanine, which is neutral and non-polar, with valine, which is neutral and non-polar, at codon 302 of the MAF protein (p.Ala302Val). This variant is not present in population databases (gnomAD no frequency). This missense change has been observed in individual(s) with bilateral congenital cataracts (PMID: 34014271; internal data). In at least one individual the variant was observed to be de novo. ClinVar contains an entry for this variant (Variation ID: 474940). Invitae Evidence Modeling of protein sequence and biophysical properties (such as structural, functional, and spatial information, amino acid conservation, physicochemical variation, residue mobility, and thermodynamic stability) indicates that this missense variant is expected to disrupt MAF protein function with a positive predictive value of 80%. For these reasons, this variant has been classified as Pathogenic.

Molecular Medicine, University of Pavia
Classification: Likely pathogenic for Cataract 21 multiple types. Last evaluated: 2023-07-28. Review status: criteria provided, single submitter. Criteria: ACMG Guidelines, 2015. Collection method: research. Allele origin: de novo. Affected: yes. Observed: 1 variant allele.

Literature cited by the submitters: PubMed 34014271 (cited by Labcorp Genetics (formerly Invitae), Labcorp).